The following is an entry in ClinVar:

NM_012210.4(TRIM32):c.119G>C (p.Gly40Ala)

Genes: ASTN2 (astrotactin 2; minus strand), TRIM32 (tripartite motif containing 32; plus strand). Cytogenetic location: 9q33.1.
Variant type: single nucleotide variant.
Coding change: c.119G>C on transcript NM_012210.4 (MANE Select); coding-DNA position 119, G replaced by C.
Protein change: p.Gly40Ala; replaces glycine 40 with alanine.
Molecular consequence: missense variant. On other transcripts: intron variant (3).
Genome position (GRCh38, 1-based): chr9:116,697,861, G>C. VCF-style: chr9-116697861-G-C. GRCh37 (hg19) VCF-style: chr9-119460140-G-C.
Other names: c.119G>C, p.Gly40Ala (NM_001099679.2, NM_001379048.1, NM_001379049.1 and 1 more transcripts); c.2653+27910C>G (NM_014010.5); c.2794+27910C>G (NM_001365069.1); c.2806+27910C>G (NM_001365068.1); short protein forms G40A.
Identifiers: ClinVar variation 999875 (VCV000999875.6), dbSNP rs1159231558, ClinGen allele CA374647600.
Genomic context (GRCh38, chr9:116,697,861, plus strand): 5'-GCCCCATCTGCATGGAGTCCTTCACAGAAGAGCAGCTGCGTCCCAAGCTTCTGCACTGTG[G>C]CCATACCATCTGCCGCCAGTGCCTGGAGAAGCTATTGGCCAGTAGCATCAATGGTGTCCG-3'
Protein context (NP_036342.2, residues 30-50): EQLRPKLLHC[Gly40Ala]HTICRQCLEK

ClinVar aggregate classification (germline): Uncertain significance (1 of 4 stars; one submission).

Conditions:
Bardet-Biedl syndrome (BBS). Identifiers: Orphanet 110, MedGen C0752166, MONDO:0015229.

Allele frequency attached by ClinVar (database versions not stated): TOPMed below 0.00001; gnomAD 0.00001.
gnomAD v4.1: 2 of 1,614,050 alleles (0.00012%); highest among the groups gnomAD compares: Non-Finnish European, 0.00017%; no homozygotes.

Submission:

Labcorp Genetics (formerly Invitae), Labcorp
Classification: Uncertain significance for Bardet-Biedl syndrome. Last evaluated: 2023-08-10. Review status: criteria provided, single submitter. Criteria: Invitae Variant Classification Sherloc (09022015). Collection method: clinical testing. Allele origin: germline.
Comment: In summary, the available evidence is currently insufficient to determine the role of this variant in disease. Therefore, it has been classified as a Variant of Uncertain Significance. An algorithm developed to predict the effect of missense changes on protein structure and function (PolyPhen-2) suggests that this variant is likely to be disruptive. ClinVar contains an entry for this variant (Variation ID: 999875). This variant has not been reported in the literature in individuals affected with TRIM32-related conditions. This variant is not present in population databases (gnomAD no frequency). This sequence change replaces glycine, which is neutral and non-polar, with alanine, which is neutral and non-polar, at codon 40 of the TRIM32 protein (p.Gly40Ala).